The following is an entry in ClinVar:

ClinVar aggregate classification (germline): Uncertain significance. Review status: criteria provided, multiple submitters, no conflicts (2 of 4 stars). 3 submissions from 3 submitters: Uncertain significance (3). Last evaluated 2024-10-08.

Conditions:
Inborn genetic diseases. Identifiers: MedGen C0950123, MeSH D030342.

Allele frequency attached by ClinVar (database versions not stated): gnomAD exomes 0.00003 and 0.00005; ExAC 0.00006; ESP Exome Variant Server 0.00008; gnomAD 0.00027 and 0.00029; 1000 Genomes Project 30x 0.00031; TOPMed 0.00036; 1000 Genomes Project 0.00040.

Submissions (3):

Ambry Genetics
Classification: Uncertain significance for Inborn genetic diseases. Last evaluated: 2024-10-08. Review status: criteria provided, single submitter. Criteria: Ambry Variant Classification Scheme 2023. Collection method: clinical testing. Allele origin: germline.

Labcorp Genetics (formerly Invitae), Labcorp
Classification: Uncertain significance. Last evaluated: 2024-01-22. Review status: criteria provided, single submitter. Criteria: Invitae Variant Classification Sherloc (09022015). Collection method: clinical testing. Allele origin: germline.
Comment: This sequence change replaces leucine, which is neutral and non-polar, with phenylalanine, which is neutral and non-polar, at codon 841 of the GPR179 protein (p.Leu841Phe). This variant is present in population databases (rs200201903, gnomAD 0.08%). This variant has not been reported in the literature in individuals affected with GPR179-related conditions. ClinVar contains an entry for this variant (Variation ID: 1357310). An algorithm developed to predict the effect of missense changes on protein structure and function (PolyPhen-2) suggests that this variant is likely to be disruptive. In summary, the available evidence is currently insufficient to determine the role of this variant in disease. Therefore, it has been classified as a Variant of Uncertain Significance.

Blueprint Genetics
Classification: Uncertain significance. Last evaluated: 2023-06-01. Review status: criteria provided, single submitter. Criteria: ACMG Guidelines, 2015. Collection method: clinical testing. Allele origin: germline.

NM_001004334.4(GPR179):c.2521C>T (p.Leu841Phe)

Gene: GPR179 (G protein-coupled receptor 179; minus strand). Cytogenetic location: 17q12.
Variant type: single nucleotide variant.
Coding change: c.2521C>T on transcript NM_001004334.4 (MANE Select); coding-DNA position 2521, C replaced by T.
Protein change: p.Leu841Phe; replaces leucine 841 with phenylalanine.
Molecular consequence: missense variant.
Genome position (GRCh38, 1-based): chr17:38,331,048, G>A on the plus strand (C>T on the coding strand, the complement: GPR179 is on the minus strand). VCF-style: chr17-38331048-G-A. GRCh37 (hg19) VCF-style: chr17-36486931-G-A.
Other names: c.2521C>T (NM_001004334.2); short protein forms L841F.
Identifiers: ClinVar variation 1357310 (VCV001357310.7), dbSNP rs200201903, ClinGen allele CA290105738.
Genomic context (GRCh38, chr17:38,331,048, plus strand): 5'-CCTCCAGGTAGGCCTGGCTGGCCATGAGCAAGGCCTTTTCCCTGGAGCTGGCCACACTGA[G>A]CGACTTCTGCAGAGAGGCGGGCCGGGCTCTGGGTAGCCTCTCTCCCACCGTCAGGTTGTG-3'
Protein context (NP_001004334.3, residues 831-851): RARPASLQKS[Leu841Phe]SVASSREKAL